The following is an entry in ClinVar:

NM_000059.4(BRCA2):c.6656C>T (p.Ser2219Leu)

Gene: BRCA2 (BRCA2 DNA repair associated; plus strand). Cytogenetic location: 13q13.1.
Variant type: single nucleotide variant.
Coding change: c.6656C>T on transcript NM_000059.4 (MANE Select); coding-DNA position 6656, C replaced by T.
Protein change: p.Ser2219Leu; replaces serine 2219 with leucine.
Molecular consequence: missense variant. On other transcripts: intron variant (2), non-coding transcript variant (1).
Genome position (GRCh38, 1-based): chr13:32,341,011, C>T. VCF-style: chr13-32341011-C-T. GRCh37 (hg19) VCF-style: chr13-32915148-C-T.
Other names: c.1910-3547C>T (NM_001406721.1); c.425-3547C>T (NM_001406722.1); c.6656C>T, p.Ser2219Leu (NM_001406719.1, NM_001406720.1, NM_001432077.1); short protein forms S2219L.
Identifiers: ClinVar variation 4082324 (VCV004082324.1).

ClinVar aggregate classification (germline): Likely benign (1 of 4 stars; one submission).

Conditions:
Hereditary cancer-predisposing syndrome. Also called: Tumor predisposition; Neoplastic Syndromes, Hereditary; Hereditary neoplastic syndrome; Hereditary Cancer Syndrome. Identifiers: Orphanet 140162, MedGen C0027672, MeSH D009386, MONDO:0015356.

Submission:

Molecular Diagnostics Laboratory, Catalan Institute of Oncology
Classification: Likely benign for Hereditary cancer-predisposing syndrome. Last evaluated: 2025-04-15. Review status: criteria provided, single submitter. Criteria: ClinGen BRCA1BRCA2 ACMG Specifications BRCA2 V1.0.0. Collection method: clinical testing. Allele origin: germline.
Comment: PM2_supporting, BP1_strong c.6656C>T, located in exon 11 of the BRCA2 gene, is predicted to result in the substitution of Serine by Leucine at codon 2219, p.(Ser2219Leu). This position is outside a (potentially) clinically important functional domain and, moreover, the SpliceAI algorithm predicts no significant impact on splicing (BP1_strong). It is not present in the population database gnomAD v2.1.1, non cancer dataset (PM2_supporting). To our knowledge, neither multifactorial analysis nor well-stablished functional studies have been reported for this variant. Furthermore, it is absent from ClinVar, BRCA Exchange (no data), and LOVD databases. Based on the currently available information, c.6656C>T is classified as a likely benign variant according to ClinGen-BRCA2 Guidelines version 1.